The following is an entry in ClinVar:

ClinVar aggregate classification (germline): Pathogenic. Review status: criteria provided, multiple submitters, no conflicts (2 of 4 stars). 2 submissions from 2 submitters: Pathogenic (2). Last evaluated 2026-04-13.

Conditions:
Marfan Syndrome/Loeys-Dietz Syndrome/Familial Thoracic Aortic Aneurysms and Dissections. Identifiers: MedGen CN229799.
Familial thoracic aortic aneurysm and aortic dissection (TAAD). Also called: Thoracic aortic aneurysms and dissections. Identifiers: Orphanet 91387, MedGen C4707243, MONDO:0019625.

Submissions (2):

Women's Health and Genetics/Laboratory Corporation of America, LabCorp
Classification: Pathogenic for Marfan Syndrome/Loeys-Dietz Syndrome/Familial Thoracic Aortic Aneurysms and Dissections. Last evaluated: 2026-04-13. Review status: criteria provided, single submitter. Criteria: LabCorp Variant Classification Summary - May 2015. Collection method: clinical testing. Allele origin: germline.
Comment: Variant summary: FBN1 c.5014T>C (p.Cys1672Arg) results in a non-conservative amino acid change in the encoded protein sequence. Algorithms developed to predict the effect of missense changes on protein structure and function all suggest that this variant is likely to be disruptive. Missense mutations affecting cysteine residues are listed among the criteria for a causal FBN1 mutation when identified as de novo (with proven paternity) in the revised Ghent criteria for the diagnosis of Marfan and related conditions (Loeys 2010). The variant was absent in 251206 control chromosomes. c.5014T>C has been observed in the heterozygous state in multiple individual(s) affected with Marfan Syndrome (example, Franken_2016, Schrijver_1999, Mariucci_2021, Attanasio_2008). These data indicate that the variant is likely to be associated with disease. At least one publication reports experimental evidence evaluating an impact on protein function, however, does not allow convincing conclusions about the variant effect (example, Schrijver_1999). The following publications have been ascertained in the context of this evaluation (PMID: 10486319, 26787436, 18435798, 33711475). ClinVar contains an entry for this variant (Variation ID: 1744779). Based on the evidence outlined above, the variant was classified as pathogenic.

Ambry Genetics
Classification: Pathogenic for Familial thoracic aortic aneurysm and aortic dissection. Last evaluated: 2021-07-27. Review status: criteria provided, single submitter. Criteria: Ambry Variant Classification Scheme 2023. Collection method: clinical testing. Allele origin: germline.
Comment: The p.C1672R pathogenic mutation (also known as c.5014T>C), located in coding exon 40 of the FBN1 gene, results from a T to C substitution at nucleotide position 5014. The cysteine at codon 1672 is replaced by arginine, an amino acid with highly dissimilar properties, and is located in the cbEGF-like #24 domain. The majority of FBN1 mutations identified to date have involved the substitution or generation of cysteine residues within cbEGF domains (Vollbrandt T et al. J Biol Chem. 2004;279(31):32924-32931). This p.C1672R variant has been reported in individuals with Marfan syndrome (MFS) and Marfan-like features (Schrijver I et al. Am. J. Hum. Genet., 1999 Oct;65:1007-20; Attanasio M et al. Clin. Genet., 2008 Jul;74:39-46; Damrauer SM et al. Circ Genom Precis Med, 2019 06;12:e002454). Based on internal structural assessment, this alteration eliminates a structurally critical disulfide in cbEGF domain #24 (Jensen SA et al. Structure, 2009 May;17:759-68). Other variants affecting this codon, p.C1672S (c.5015G>C), p.C1672F (c.5015G>T), and p.C1672Y (c.5015G>A), have been reported in association with MFS (Ambry internal data; Schrijver I et al. Am. J. Hum. Genet., 1999; Attanasio M et al. Clin. Genet., 2008 Jul;74:39-46; Cui Y et al. Orphanet J Rare Dis. 2012 Aug;7:55). This variant is considered to be rare based on population cohorts in the Genome Aggregation Database (gnomAD). This amino acid position is highly conserved in available vertebrate species. In addition, this alteration is predicted to be deleterious by in silico analysis. Based on the supporting evidence, this alteration is interpreted as a disease-causing mutation.

Literature cited by the submitters: PubMed 10486319 (cited by Women's Health and Genetics/Laboratory Corporation of America, LabCorp and Ambry Genetics); PubMed 18435798 (cited by Women's Health and Genetics/Laboratory Corporation of America, LabCorp and Ambry Genetics); PubMed 26787436 (cited by Women's Health and Genetics/Laboratory Corporation of America, LabCorp); PubMed 33711475 (cited by Women's Health and Genetics/Laboratory Corporation of America, LabCorp); PubMed 12203987 (cited by Ambry Genetics); PubMed 19446531 (cited by Ambry Genetics); PubMed 31211626 (cited by Ambry Genetics).

NM_000138.5(FBN1):c.5014T>C (p.Cys1672Arg)

Gene: FBN1 (fibrillin 1; minus strand). Cytogenetic location: 15q21.1.
Variant type: single nucleotide variant.
Coding change: c.5014T>C on transcript NM_000138.5 (MANE Select); coding-DNA position 5014, T replaced by C.
Protein change: p.Cys1672Arg; replaces cysteine 1672 with arginine.
Molecular consequence: missense variant.
Genome position (GRCh38, 1-based): chr15:48,463,950, A>G on the plus strand (T>C on the coding strand, the complement: FBN1 is on the minus strand). VCF-style: chr15-48463950-A-G. GRCh37 (hg19) VCF-style: chr15-48756147-A-G.
Other names: c.5014T>C, p.Cys1672Arg (NM_001406716.1); short protein forms C1672R.
Identifiers: ClinVar variation 1744779 (VCV001744779.3), dbSNP rs112930491, ClinGen allele CA392349959.